The following is an entry in ClinVar:

ClinVar aggregate classification (germline): Pathogenic/Likely pathogenic. Review status: criteria provided, multiple submitters, no conflicts (2 of 4 stars). 2 submissions from 2 submitters: Pathogenic (1); Likely pathogenic (1). Last evaluated 2024-10-31.

Conditions:
DiGeorge syndrome. Also called: Catch22; THIRD AND FOURTH PHARYNGEAL POUCH SYNDROME. Identifiers: Orphanet 567, MedGen C0012236, MONDO:0008564, OMIM 188400.

Submissions (2):

3billion
Classification: Likely pathogenic for DiGeorge syndrome. Last evaluated: 2024-10-31. Review status: criteria provided, single submitter. Criteria: ACMG Guidelines, 2015. Collection method: clinical testing. Allele origin: germline. Affected: yes.
Comment: The variant is not observed in the gnomAD v4.1.0 dataset. Predicted Consequence/Location: Stop-gained (nonsense): predicted to result in a loss or disruption of normal protein function through protein truncation. The predicted truncated protein may be shortened by more than 10%. The variant has been reported to be associated with TBX1-related disorder (ClinVar ID: VCV001445413). Therefore, this variant is classified as Likely pathogenic according to the recommendation of ACMG/AMP guideline.

Labcorp Genetics (formerly Invitae), Labcorp
Classification: Pathogenic for DiGeorge syndrome. Last evaluated: 2022-09-23. Review status: criteria provided, single submitter. Criteria: Invitae Variant Classification Sherloc (09022015). Collection method: clinical testing. Allele origin: germline.
Comment: For these reasons, this variant has been classified as Pathogenic. This variant disrupts a region of the TBX1 protein in which other variant(s) (p.Ser408Trpfs*52) have been determined to be pathogenic (PMID: 14585638, 15703190). This suggests that this is a clinically significant region of the protein, and that variants that disrupt it are likely to be disease-causing. ClinVar contains an entry for this variant (Variation ID: 1445413). This variant has not been reported in the literature in individuals affected with TBX1-related conditions. This variant is not present in population databases (gnomAD no frequency). This sequence change creates a premature translational stop signal (p.Gln346*) in the TBX1 gene. While this is not anticipated to result in nonsense mediated decay, it is expected to disrupt the last 150 amino acid(s) of the TBX1 protein.

Literature cited by the submitters: PubMed 14585638 (cited by Labcorp Genetics (formerly Invitae), Labcorp); PubMed 15703190 (cited by Labcorp Genetics (formerly Invitae), Labcorp).

NM_001379200.1(TBX1):c.1063C>T (p.Gln355Ter)

Gene: TBX1 (T-box transcription factor 1; plus strand). Cytogenetic location: 22q11.21.
Variant type: single nucleotide variant.
Coding change: c.1063C>T on transcript NM_001379200.1 (MANE Select); coding-DNA position 1063, C replaced by T.
Protein change: p.Gln355Ter; replaces glutamine 355 with a stop codon.
Molecular consequence: nonsense. On other transcripts: intron variant (2).
Genome position (GRCh38, 1-based): chr22:19,766,415, C>T. VCF-style: chr22-19766415-C-T. GRCh37 (hg19) VCF-style: chr22-19753938-C-T.
Other names: c.1036C>T, p.Gln346Ter (NM_080647.1); c.1009+413C>T (NM_005992.1, NM_080646.2); short protein forms Q346*, Q355*.
Identifiers: ClinVar variation 1445413 (VCV001445413.7), dbSNP rs1936845711, ClinGen allele CA410684014.
Genomic context (GRCh38, chr22:19,766,415, plus strand): 5'-GCCGGCCGCGCTCACTCCTCGGCCCTCTCCGCAGACGCGGCTGAGGCCCGGCGAGAATTC[C>T]AGCGCGACGCGGGCGGGCCAGCAGTGCTCGGGGACCCGGCGCATCCTCCGCAGCTGCTGG-3'